The following is an entry in ClinVar:

ClinVar aggregate classification (germline): Uncertain significance (1 of 4 stars; one submission).

gnomAD v4.1: 3 of 1,612,376 alleles (0.00019%); highest among the groups gnomAD compares: Non-Finnish European, 0.00025%; no homozygotes.

Submission:

Labcorp Genetics (formerly Invitae), Labcorp
Classification: Uncertain significance. Last evaluated: 2024-06-30. Review status: criteria provided, single submitter. Criteria: Invitae Variant Classification Sherloc (09022015). Collection method: clinical testing. Allele origin: germline.
Comment: This sequence change replaces tryptophan, which is neutral and slightly polar, with leucine, which is neutral and non-polar, at codon 630 of the TNNI3K protein (p.Trp630Leu). This variant is not present in population databases (gnomAD no frequency). This variant has not been reported in the literature in individuals affected with TNNI3K-related conditions. An algorithm developed to predict the effect of missense changes on protein structure and function (PolyPhen-2) suggests that this variant is likely to be disruptive. In summary, the available evidence is currently insufficient to determine the role of this variant in disease. Therefore, it has been classified as a Variant of Uncertain Significance.

NM_015978.3(TNNI3K):c.1889G>T (p.Trp630Leu)

Genes: FPGT-TNNI3K (FPGT-TNNI3K readthrough; plus strand), TNNI3K (TNNI3 interacting kinase; plus strand). Cytogenetic location: 1p31.1.
Variant type: single nucleotide variant.
Coding change: c.1889G>T on transcript NM_015978.3 (MANE Select); coding-DNA position 1889, G replaced by T.
Protein change: p.Trp630Leu; replaces tryptophan 630 with leucine.
Molecular consequence: missense variant.
Genome position (GRCh38, 1-based): chr1:74,439,500, G>T. VCF-style: chr1-74439500-G-T. GRCh37 (hg19) VCF-style: chr1-74905184-G-T.
Other names: c.2192G>T, p.Trp731Leu (NM_001112808.3, NM_001199327.2); short protein forms W630L, W731L.
Identifiers: ClinVar variation 3696822 (VCV003696822.2).